The following is an entry in ClinVar:

ClinVar aggregate classification (germline): Pathogenic (1 of 4 stars; one submission).

Conditions:
Hereditary cancer-predisposing syndrome. Also called: Tumor predisposition; Hereditary Cancer Syndrome; Neoplastic Syndromes, Hereditary; Hereditary neoplastic syndrome. Identifiers: Orphanet 140162, MedGen C0027672, MeSH D009386, MONDO:0015356.

Submission:

Ambry Genetics
Classification: Pathogenic for Hereditary cancer-predisposing syndrome. Last evaluated: 2019-01-02. Review status: criteria provided, single submitter. Criteria: Ambry Variant Classification Scheme 2023. Collection method: clinical testing. Allele origin: germline.
Comment: The p.K1059* pathogenic mutation (also known as c.3175A>T), located in coding exon 21 of the RAD50 gene, results from an A to T substitution at nucleotide position 3175. This changes the amino acid from a lysine to a stop codon within coding exon 21. This alteration is expected to result in loss of function by premature protein truncation or nonsense-mediated mRNA decay. As such, this alteration is interpreted as a disease-causing mutation.

NM_005732.4(RAD50):c.3175A>T (p.Lys1059Ter)

Gene: RAD50 (RAD50 double strand break repair protein; plus strand). Cytogenetic location: 5q31.1.
Variant type: single nucleotide variant.
Coding change: c.3175A>T on transcript NM_005732.4 (MANE Select); coding-DNA position 3175, A replaced by T.
Protein change: p.Lys1059Ter; replaces lysine 1059 with a stop codon.
Molecular consequence: nonsense.
Genome position (GRCh38, 1-based): chr5:132,618,080, A>T. VCF-style: chr5-132618080-A-T. GRCh37 (hg19) VCF-style: chr5-131953772-A-T.
Other names: short protein forms K1059*.
Identifiers: ClinVar variation 823078 (VCV000823078.4), dbSNP rs1581009347, ClinGen allele CA360964210.